The following is an entry in ClinVar:

ClinVar aggregate classification (germline): Pathogenic (1 of 4 stars; one submission).

Conditions:
Neurofibromatosis, type 1 (NF1). Also called: NEUROFIBROMATOSIS, TYPE I, SOMATIC; Peripheral type neurofibromatosis; Neurofibromatosis, type I; VON RECKLINGHAUSEN DISEASE. Identifiers: Orphanet 636, MedGen C0027831, MONDO:0018975, OMIM 162200. Disease mechanism: loss of function.

Submission:

Labcorp Genetics (formerly Invitae), Labcorp
Classification: Pathogenic for Neurofibromatosis, type 1. Last evaluated: 2024-12-23. Review status: criteria provided, single submitter. Criteria: Invitae Variant Classification Sherloc (09022015). Collection method: clinical testing. Allele origin: germline.
Comment: This sequence change creates a premature translational stop signal (p.Met867Glyfs*5) in the NF1 gene. It is expected to result in an absent or disrupted protein product. Loss-of-function variants in NF1 are known to be pathogenic (PMID: 10712197, 23913538). This variant is not present in population databases (gnomAD no frequency). This variant has not been reported in the literature in individuals affected with NF1-related conditions. For these reasons, this variant has been classified as Pathogenic.

Literature cited by the submitters: PubMed 10712197; PubMed 23913538.

NM_001042492.3(NF1):c.2599_2600del (p.Met867fs)

Gene: NF1 (neurofibromin 1; plus strand). Cytogenetic location: 17q11.2.
Variant type: Deletion.
Coding change: c.2599_2600del on transcript NM_001042492.3 (MANE Select); coding-DNA positions 2599 to 2600, 2 bases deleted (AT; older notation c.2599_2600delAT).
Protein change: p.Met867fs; shifts the reading frame from methionine 867.
Molecular consequence: frameshift variant.
Genome position (GRCh38, 1-based): chr17:31,229,214-31,229,215, AT deleted. VCF-style (leftmost placement, unchanged base first): chr17-31229213-CAT-C. GRCh37 (hg19) VCF-style: chr17-29556231-CAT-C.
Other names: c.2599_2600delAT, p.Met867Glyfs (NM_000267.4); short protein forms M867fs.
Identifiers: ClinVar variation 3727833 (VCV003727833.2).